The following is an entry in ClinVar:

ClinVar aggregate classification (germline): Conflicting classifications of pathogenicity. Review status: criteria provided, conflicting classifications (1 of 4 stars). 6 submissions from 6 submitters: Uncertain significance (1); Likely benign (3). 2 of the submissions do not count toward it. Last evaluated 2026-09-01.

Conditions:
Iodotyrosyl coupling defect (TDH3). Also called: HYPOTHYROIDISM, CONGENITAL, DUE TO DYSHORMONOGENESIS, 3; THYROID HORMONOGENESIS, GENETIC DEFECT IN, 3. Identifiers: Orphanet 95716, MedGen C0342194, MONDO:0010135, OMIM 274700.

Allele frequency attached by ClinVar (database versions not stated): ESP Exome Variant Server 0.00015; ExAC 0.00022; gnomAD exomes 0.00025; TOPMed 0.00032; gnomAD 0.00037 and 0.00040; 1000 Genomes Project 0.00040.
gnomAD v4.1: 762 of 1,613,912 alleles (0.047%); highest among the groups gnomAD compares: Non-Finnish European, 0.059%; no homozygotes.

Submissions (6):

CeGaT Center for Human Genetics Tuebingen
Classification: Likely benign. Last evaluated: 2026-09-01. Review status: criteria provided, single submitter. Criteria: CeGaT Center For Human Genetics Tuebingen Variant Classification Criteria Version 2. Collection method: clinical testing. Allele origin: germline. Affected: yes. Observed: 3 variant alleles.
Comment: TG: BP4, BP7

Labcorp Genetics (formerly Invitae), Labcorp
Classification: Likely benign. Last evaluated: 2026-01-19. Review status: criteria provided, single submitter. Criteria: Invitae Variant Classification Sherloc (09022015). Collection method: clinical testing. Allele origin: germline.

Blueprint Genetics
Classification: Likely benign. Last evaluated: 2024-11-26. Review status: criteria provided, single submitter. Criteria: ACMG Guidelines, 2015. Collection method: clinical testing. Allele origin: germline.

Illumina Laboratory Services, Illumina
Classification: Uncertain significance for Iodotyrosyl coupling defect. Last evaluated: 2018-01-13. Review status: criteria provided, single submitter. Criteria: ICSL Variant Classification Criteria 13 December 2019. Collection method: clinical testing. Allele origin: germline.

Clinical Genetics DNA and cytogenetics Diagnostics Lab, Erasmus MC, Erasmus Medical Center
Classification: Likely benign. Review status: no assertion criteria provided. Collection method: clinical testing. Allele origin: germline. Affected: yes. Study: VKGL Data-share Consensus. Not counted in ClinVar's aggregate classification.

Clinical Genetics, Academic Medical Center
Classification: Likely benign. Review status: no assertion criteria provided. Collection method: clinical testing. Allele origin: germline. Affected: yes. Study: VKGL Data-share Consensus. Not counted in ClinVar's aggregate classification.

NM_003235.5(TG):c.8202C>T (p.Gly2734=)

Gene: TG (thyroglobulin; plus strand). Cytogenetic location: 8q24.22.
Variant type: single nucleotide variant.
Coding change: c.8202C>T on transcript NM_003235.5 (MANE Select); coding-DNA position 8202, C replaced by T.
Protein change: p.Gly2734=; no amino-acid change (glycine 2734 retained).
Molecular consequence: synonymous variant.
Genome position (GRCh38, 1-based): chr8:133,134,689, C>T. VCF-style: chr8-133134689-C-T. GRCh37 (hg19) VCF-style: chr8-134146933-C-T.
Identifiers: ClinVar variation 362005 (VCV000362005.49), dbSNP rs142157473, ClinGen allele CA4885946.